The following is an entry in ClinVar:

NM_001366385.1(CARD14):c.2066G>A (p.Gly689Asp)

Genes: SGSH (N-sulfoglucosamine sulfohydrolase; minus strand), CARD14 (caspase recruitment domain family member 14; plus strand). Cytogenetic location: 17q25.3.
Variant type: single nucleotide variant.
Coding change: c.2066G>A on transcript NM_001366385.1 (MANE Select); coding-DNA position 2066, G replaced by A.
Protein change: p.Gly689Asp; replaces glycine 689 with aspartic acid.
Molecular consequence: missense variant. On other transcripts: non-coding transcript variant (1).
Genome position (GRCh38, 1-based): chr17:80,202,267, G>A. VCF-style: chr17-80202267-G-A. GRCh37 (hg19) VCF-style: chr17-78176066-G-A.
Other names: c.2066G>A, p.Gly689Asp (NM_001257970.1, NM_024110.4); short protein forms G689D.
Identifiers: ClinVar variation 2936442 (VCV002936442.3), dbSNP rs139702878, ClinGen allele CA8817177.

ClinVar aggregate classification (germline): Uncertain significance (1 of 4 stars; one submission).

Conditions:
Psoriasis 2. Identifiers: MedGen C1864497, MONDO:0011269, OMIM 602723.
Pityriasis rubra pilaris (PRP). Also called: Pityriasis rubra pilaris--familial type. Identifiers: Orphanet 2897, MedGen C0032027, MONDO:0100017, OMIM 173200, MONDO:0008251.

Allele frequency attached by ClinVar (database versions not stated): gnomAD exomes below 0.00001; ExAC 0.00001; gnomAD 0.00001; TOPMed 0.00001; ESP Exome Variant Server 0.00008.
gnomAD v4.1: 3 of 1,613,884 alleles (0.00019%); highest among the groups gnomAD compares: Non-Finnish European, 0.00025%; no homozygotes.

Submission:

Labcorp Genetics (formerly Invitae), Labcorp
Classification: Uncertain significance for Pityriasis rubra pilaris; Psoriasis 2. Last evaluated: 2025-11-12. Review status: criteria provided, single submitter. Criteria: Invitae Variant Classification Sherloc (09022015). Collection method: clinical testing. Allele origin: germline.
Comment: This sequence change replaces glycine, which is neutral and non-polar, with aspartic acid, which is acidic and polar, at codon 689 of the CARD14 protein (p.Gly689Asp). This variant is present in population databases (rs139702878, gnomAD 0.0009%). This variant has not been reported in the literature in individuals affected with CARD14-related conditions. ClinVar contains an entry for this variant (Variation ID: 2936442). Invitae Evidence Modeling of protein sequence and biophysical properties (such as structural, functional, and spatial information, amino acid conservation, physicochemical variation, residue mobility, and thermodynamic stability) indicates that this missense variant is not expected to disrupt CARD14 protein function with a negative predictive value of 95%. In summary, the available evidence is currently insufficient to determine the role of this variant in disease. Therefore, it has been classified as a Variant of Uncertain Significance.